The following is an entry in ClinVar:

NM_001082486.2(ACD):c.336+12G>A

Gene: ACD (ACD shelterin complex subunit and telomerase recruitment factor; minus strand). Cytogenetic location: 16q22.1.
Variant type: single nucleotide variant.
Coding change: c.336+12G>A on transcript NM_001082486.2 (MANE Select); 12 bases into the intron after coding-DNA position 336, G replaced by A.
Molecular consequence: intron variant.
Genome position (GRCh38, 1-based): chr16:67,659,690, C>T on the plus strand (G>A on the coding strand, the complement: ACD is on the minus strand). VCF-style: chr16-67659690-C-T. GRCh37 (hg19) VCF-style: chr16-67693593-C-T.
Other names: c.327+12G>A (NM_022914.3).
Identifiers: ClinVar variation 1942456 (VCV001942456.5), dbSNP rs2543608786, ClinGen allele CA2580091880.

ClinVar aggregate classification (germline): Uncertain significance (1 of 4 stars; one submission).

Conditions:
Dyskeratosis congenita, autosomal dominant 6 (DKCA6). Identifiers: Orphanet 3322, MedGen C4225284, MONDO:0014690, OMIM 616553.

Submission:

Labcorp Genetics (formerly Invitae), Labcorp
Classification: Uncertain significance for Dyskeratosis congenita, autosomal dominant 6. Last evaluated: 2022-02-20. Review status: criteria provided, single submitter. Criteria: Invitae Variant Classification Sherloc (09022015). Collection method: clinical testing. Allele origin: germline.
Comment: In summary, the available evidence is currently insufficient to determine the role of this variant in disease. Therefore, it has been classified as a Variant of Uncertain Significance. Algorithms developed to predict the effect of sequence changes on RNA splicing suggest that this variant may disrupt the consensus splice site. This variant has not been reported in the literature in individuals affected with ACD-related conditions. This variant is not present in population databases (gnomAD no frequency). This sequence change falls in intron 3 of the ACD gene. It does not directly change the encoded amino acid sequence of the ACD protein.